The following is an entry in ClinVar:

NM_000760.4(CSF3R):c.1156C>T (p.Pro386Ser)

Gene: CSF3R (colony stimulating factor 3 receptor; minus strand). Cytogenetic location: 1p34.3.
Variant type: single nucleotide variant.
Coding change: c.1156C>T on transcript NM_000760.4 (MANE Select); coding-DNA position 1156, C replaced by T.
Protein change: p.Pro386Ser; replaces proline 386 with serine.
Molecular consequence: missense variant.
Genome position (GRCh38, 1-based): chr1:36,471,562, G>A on the plus strand (C>T on the coding strand, the complement: CSF3R is on the minus strand). VCF-style: chr1-36471562-G-A. GRCh37 (hg19) VCF-style: chr1-36937163-G-A.
Other names: c.1156C>T, p.Pro386Ser (NM_156039.3, NM_172313.3); short protein forms P386S.
Identifiers: ClinVar variation 1370152 (VCV001370152.8), dbSNP rs1650737288, ClinGen allele CA339421866.

ClinVar aggregate classification (germline): Uncertain significance (1 of 4 stars; one submission).

Conditions:
Autosomal recessive severe congenital neutropenia due to CSF3R deficiency. Also called: Neutropenia, severe congenital, 7, autosomal recessive. Identifiers: Orphanet 420702, MedGen C4310764, MONDO:0014865, OMIM 617014.

Allele frequency attached by ClinVar (database versions not stated): gnomAD exomes 0.00001.
gnomAD v4.1: 10 of 1,614,268 alleles (0.00062%); highest among the groups gnomAD compares: Middle Eastern, 0.033%; no homozygotes.

Submission:

Labcorp Genetics (formerly Invitae), Labcorp
Classification: Uncertain significance for Autosomal recessive severe congenital neutropenia due to CSF3R deficiency. Last evaluated: 2025-06-17. Review status: criteria provided, single submitter. Criteria: Invitae Variant Classification Sherloc (09022015). Collection method: clinical testing. Allele origin: germline.
Comment: This sequence change replaces proline, which is neutral and non-polar, with serine, which is neutral and polar, at codon 386 of the CSF3R protein (p.Pro386Ser). This variant is not present in population databases (gnomAD no frequency). This variant has not been reported in the literature in individuals affected with CSF3R-related conditions. ClinVar contains an entry for this variant (Variation ID: 1370152). Invitae Evidence Modeling of protein sequence and biophysical properties (such as structural, functional, and spatial information, amino acid conservation, physicochemical variation, residue mobility, and thermodynamic stability) indicates that this missense variant is not expected to disrupt CSF3R protein function with a negative predictive value of 80%. In summary, the available evidence is currently insufficient to determine the role of this variant in disease. Therefore, it has been classified as a Variant of Uncertain Significance.